The following is an entry in ClinVar:

ClinVar aggregate classification (germline): Likely benign. Review status: reviewed by expert panel (3 of 4 stars). 7 submissions from 7 submitters: Likely benign (1). 6 of the submissions do not count toward it. Last evaluated 2017-06-29.

Conditions:
Hereditary breast ovarian cancer syndrome. Also called: Hereditary breast and ovarian cancer syndrome; Hereditary breast and ovarian cancer; Hereditary breast and ovarian cancer syndrome (HBOC); Breast and ovarian cancer; Hereditary breast and/or ovarian cancer syndrome; BRCA1- and BRCA2-Associated Hereditary Breast and Ovarian Cancer. Identifiers: Orphanet 145, MedGen C0677776, MeSH D061325, MONDO:0003582. Disease mechanism: loss of function.
Hereditary cancer-predisposing syndrome. Also called: Neoplastic Syndromes, Hereditary; Tumor predisposition; Hereditary neoplastic syndrome; Hereditary Cancer Syndrome. Identifiers: Orphanet 140162, MedGen C0027672, MeSH D009386, MONDO:0015356.
Breast-ovarian cancer, familial, susceptibility to, 2 (BROVCA2). Also called: BRCA2 Hereditary Breast and Ovarian Cancer. Identifiers: Orphanet 145, MedGen C2675520, MONDO:0012933, OMIM 612555. Disease mechanism: loss of function.

Submissions (7):

Evidence-based Network for the Interpretation of Germline Mutant Alleles (ENIGMA)
Classification: Likely benign for Breast-ovarian cancer, familial, susceptibility to, 2. Last evaluated: 2017-06-29. Review status: reviewed by expert panel. Criteria: ENIGMA BRCA1/2 Classification Criteria (2017-06-29). Collection method: curation. Allele origin: germline.
Comment: Synonymous substitution variant, with low bioinformatic likelihood to result in a splicing aberration (Splicing prior probability 0.02).

Ambry Genetics
Classification: Likely benign for Hereditary cancer-predisposing syndrome. Last evaluated: 2023-05-14. Review status: criteria provided, single submitter. Criteria: Ambry Variant Classification Scheme 2023. Collection method: clinical testing. Allele origin: germline. Not counted in ClinVar's aggregate classification.

Sema4
Classification: Likely benign for Hereditary cancer-predisposing syndrome. Last evaluated: 2021-11-01. Review status: criteria provided, single submitter. Criteria: Sema4 Curation Guidelines. Collection method: curation. Allele origin: germline. Not counted in ClinVar's aggregate classification.

Labcorp Genetics (formerly Invitae), Labcorp
Classification: Likely benign for Hereditary breast ovarian cancer syndrome. Last evaluated: 2021-10-07. Review status: criteria provided, single submitter. Criteria: Invitae Variant Classification Sherloc (09022015). Collection method: clinical testing. Allele origin: germline. Not counted in ClinVar's aggregate classification.

Mendelics
Classification: Likely benign for Breast-ovarian cancer, familial, susceptibility to, 2. Last evaluated: 2019-05-28. Review status: criteria provided, single submitter. Criteria: Mendelics Assertion Criteria 2017. Collection method: clinical testing. Allele origin: unknown. Not counted in ClinVar's aggregate classification.

Color Diagnostics, LLC DBA Color Health
Classification: Likely benign for Hereditary cancer-predisposing syndrome. Last evaluated: 2017-08-09. Review status: criteria provided, single submitter. Criteria: ACMG Guidelines, 2015. Collection method: clinical testing. Allele origin: germline. Not counted in ClinVar's aggregate classification.

Breast Cancer Information Core (BIC) (BRCA2)
Classification: Uncertain significance for Breast-ovarian cancer, familial 2. Last evaluated: 2007-01-12. Review status: no assertion criteria provided. Collection method: clinical testing. Allele origin: germline. Affected: yes. Observed: 1 variant allele. Not counted in ClinVar's aggregate classification.

NM_000059.4(BRCA2):c.9375C>G (p.Leu3125=)

Gene: BRCA2 (BRCA2 DNA repair associated; plus strand). Cytogenetic location: 13q13.1.
Variant type: single nucleotide variant.
Coding change: c.9375C>G on transcript NM_000059.4 (MANE Select); coding-DNA position 9375, C replaced by G.
Protein change: p.Leu3125=; no amino-acid change (leucine 3125 retained).
Molecular consequence: synonymous variant.
Genome position (GRCh38, 1-based): chr13:32,394,807, C>G. VCF-style: chr13-32394807-C-G. GRCh37 (hg19) VCF-style: chr13-32968944-C-G.
Other names: L3125L.
Identifiers: ClinVar variation 52824 (VCV000052824.19), dbSNP rs276174924, ClinGen allele CA026121.